The following is an entry in ClinVar:

ClinVar aggregate classification (germline): conflicting data from submitters (0 of 4 stars; one submission).

Submission:

ISCA site 1
Classification: conflicting data from submitters. Last evaluated: 2013-02-20. Review status: no assertion criteria provided. Collection method: clinical testing. Allele origin: unknown. Affected: yes. Observed: 2 variant alleles.
Comment: Uncertain significance(1), Likely benign (1)

Copy number variation identified through the course of routine clinical cytogenomic testing in postnatal populations, with clinical assertions as classified by the original submitter. For data from the original published study, Kaminsky, et al. 2011 (PubMed 21844811), please see nstd101.

GRCh38/hg38 4q35.2(chr4:188150588-188688146)x3

Genes: LINC01060 (long intergenic non-protein coding RNA 1060; plus strand), LINC02434 (long intergenic non-protein coding RNA 2434; plus strand), TRIML1 (tripartite motif family like 1; plus strand), LOC126807266 (P300/CBP strongly-dependent group 1 enhancer GRCh37_chr4:189080404-189081603; plus strand), LOC126807267 (P300/CBP strongly-dependent group 1 enhancer GRCh37_chr4:189326005-189327204; plus strand) and 4 more. Cytogenetic location: 4q35.2.
Variant type: copy number gain.
Change: copy number 3 (three copies instead of two) of chr4:188,150,588-188,688,146 (537.6 kb, GRCh38 coordinates, 1-based), cytogenetic band 4q35.2.
Identifiers: ClinVar variation 151124 (VCV000151124.2).